The following is an entry in ClinVar:

ClinVar aggregate classification (germline): Uncertain significance (1 of 4 stars; one submission).

Conditions:
Leber congenital amaurosis 17 (LCA17). Identifiers: Orphanet 65, MedGen C3715164, MONDO:0014145, OMIM 615360.
Isolated microphthalmia 4. Identifiers: Orphanet 2542, MedGen C2751307, MONDO:0013130, OMIM 613094.
Klippel-Feil syndrome 1, autosomal dominant (KFS1). Also called: CERVICAL VERTEBRAL FUSION, AUTOSOMAL DOMINANT. Identifiers: Orphanet 2345, MedGen C1861689, MONDO:0007306, OMIM 118100.
Microphthalmia, isolated, with coloboma 6 (MCOPCB6). Also called: Microphthalmia with coloboma 6, digenic; Microphthalmia with coloboma 6; MICROPHTHALMIA/COLOBOMA 6. Identifiers: Orphanet 98938, MedGen C3150968, MONDO:0013376, OMIM 613703.

Submission:

Labcorp Genetics (formerly Invitae), Labcorp
Classification: Uncertain significance for Isolated microphthalmia 4; Leber congenital amaurosis 17; Klippel-Feil syndrome 1, autosomal dominant; Microphthalmia, isolated, with coloboma 6. Last evaluated: 2021-04-01. Review status: criteria provided, single submitter. Criteria: Invitae Variant Classification Sherloc (09022015). Collection method: clinical testing. Allele origin: germline.
Comment: This variant has not been reported in the literature in individuals with GDF6-related conditions. The frequency data for this variant in the population databases is considered unreliable, as metrics indicate insufficient coverage at this position in the ExAC database. This sequence change replaces glutamine with histidine at codon 228 of the GDF6 protein (p.Gln228His). The glutamine residue is highly conserved and there is a small physicochemical difference between glutamine and histidine. Algorithms developed to predict the effect of missense changes on protein structure and function are either unavailable or do not agree on the potential impact of this missense change (SIFT: "Deleterious"; PolyPhen-2: "Benign"; Align-GVGD: "Class C0"). In summary, the available evidence is currently insufficient to determine the role of this variant in disease. Therefore, it has been classified as a Variant of Uncertain Significance.

NM_001001557.4(GDF6):c.684G>C (p.Gln228His)

Gene: GDF6 (growth differentiation factor 6; minus strand). Cytogenetic location: 8q22.1.
Variant type: single nucleotide variant.
Coding change: c.684G>C on transcript NM_001001557.4 (MANE Select); coding-DNA position 684, G replaced by C.
Protein change: p.Gln228His; replaces glutamine 228 with histidine.
Molecular consequence: missense variant.
Genome position (GRCh38, 1-based): chr8:96,145,247, C>G on the plus strand (G>C on the coding strand, the complement: GDF6 is on the minus strand). VCF-style: chr8-96145247-C-G. GRCh37 (hg19) VCF-style: chr8-97157475-C-G.
Other names: short protein forms Q228H.
Identifiers: ClinVar variation 1429484 (VCV001429484.8), dbSNP rs1006833447, ClinGen allele CA371752074.